The following is an entry in ClinVar:

ClinVar aggregate classification (germline): Uncertain significance (1 of 4 stars; one submission).

Conditions:
Hypertrophic cardiomyopathy. Also called: HYPERTROPHIC MYOCARDIOPATHY. Identifiers: Orphanet 217569, MedGen C0007194, MeSH D002312, MONDO:0005045, HP:0001639.

Submission:

Labcorp Genetics (formerly Invitae), Labcorp
Classification: Uncertain significance for Hypertrophic cardiomyopathy. Last evaluated: 2022-04-18. Review status: criteria provided, single submitter. Criteria: Invitae Variant Classification Sherloc (09022015). Collection method: clinical testing. Allele origin: germline.
Comment: In summary, the available evidence is currently insufficient to determine the role of this variant in disease. Therefore, it has been classified as a Variant of Uncertain Significance. This sequence change replaces glycine, which is neutral and non-polar, with arginine, which is basic and polar, at codon 118 of the MYBPC3 protein (p.Gly118Arg). This variant is not present in population databases (gnomAD no frequency). This variant has not been reported in the literature in individuals affected with MYBPC3-related conditions. Algorithms developed to predict the effect of missense changes on protein structure and function output the following: SIFT: "Tolerated"; PolyPhen-2: "Benign"; Align-GVGD: "Class C0". The arginine amino acid residue is found in multiple mammalian species, which suggests that this missense change does not adversely affect protein function.

NM_000256.3(MYBPC3):c.352G>C (p.Gly118Arg)

Gene: MYBPC3 (myosin binding protein C3; minus strand). Cytogenetic location: 11p11.2.
Variant type: single nucleotide variant.
Coding change: c.352G>C on transcript NM_000256.3 (MANE Select); coding-DNA position 352, G replaced by C.
Protein change: p.Gly118Arg; replaces glycine 118 with arginine.
Molecular consequence: missense variant.
Genome position (GRCh38, 1-based): chr11:47,350,556, C>G on the plus strand (G>C on the coding strand, the complement: MYBPC3 is on the minus strand). VCF-style: chr11-47350556-C-G. GRCh37 (hg19) VCF-style: chr11-47372107-C-G.
Other names: short protein forms G118R.
Identifiers: ClinVar variation 1907342 (VCV001907342.5), dbSNP rs2495783630, ClinGen allele CA380340696.
Genomic context (GRCh38, chr11:47,350,556, plus strand): 5'-TCTCACCTTTGGGACTTGGGGCACTTTCTCCCAGCTCAGCGGCTGGGGCCGGGGCTTCTC[C>G]AGGGGCTCCAGTGGCCTCAGCAGGGGCAGGGGCAGGGGCCAGCATGGGCTCTGCCTTCTC-3'
Protein context (NP_000247.2, residues 108-128): PAPAEATGAP[Gly118Arg]EAPAPAAELG